The following is an entry in ClinVar:

ClinVar aggregate classification (germline): Likely benign. Review status: criteria provided, multiple submitters, no conflicts (2 of 4 stars). 3 submissions from 3 submitters: Likely benign (3). Last evaluated 2026-04-01.

Conditions:
PHACTR1-related disorder. Also called: PHACTR1-related condition.

gnomAD v4.1: 391 of 1,613,188 alleles (0.024%); highest among the groups gnomAD compares: Non-Finnish European, 0.031%; no homozygotes.

Submissions (3):

CeGaT Center for Human Genetics Tuebingen
Classification: Likely benign. Last evaluated: 2026-04-01. Review status: criteria provided, single submitter. Criteria: CeGaT Center For Human Genetics Tuebingen Variant Classification Criteria Version 2. Collection method: clinical testing. Allele origin: germline. Affected: yes. Observed: 1 variant allele.
Comment: PHACTR1: BP4, BS2

PreventionGenetics, part of Exact Sciences
Classification: Likely benign for PHACTR1-related condition. Last evaluated: 2025-05-02. Review status: criteria provided, single submitter. Criteria: ACMG Guidelines, 2015. Collection method: clinical testing. Allele origin: germline.
Comment: This variant is classified as likely benign based on ACMG/AMP sequence variant interpretation guidelines (Richards et al. 2015 PMID: 25741868, with internal and published modifications).

Blueprint Genetics
Classification: Likely benign. Last evaluated: 2023-10-18. Review status: criteria provided, single submitter. Criteria: ACMG Guidelines, 2015. Collection method: clinical testing. Allele origin: germline.

NM_030948.6(PHACTR1):c.416-4G>A

Gene: PHACTR1 (phosphatase and actin regulator 1; plus strand). Cytogenetic location: 6p24.1.
Variant type: single nucleotide variant.
Coding change: c.416-4G>A on transcript NM_030948.6 (MANE Select); 4 bases into the intron before coding-DNA position 416, G replaced by A.
Molecular consequence: intron variant.
Genome position (GRCh38, 1-based): chr6:13,160,200, G>A. VCF-style: chr6-13160200-G-A. GRCh37 (hg19) VCF-style: chr6-13160432-G-A.
Other names: c.419-4G>A (NM_001322314.1, NM_001322314.4); c.416-4G>A (NM_001242648.4, NM_001374581.2, NM_001322308.3 and 3 more transcripts); c.140-4G>A (NM_001322313.2, NM_001322312.3, NM_001322311.2 and 1 more transcripts).
Identifiers: ClinVar variation 4872836 (VCV004872836.4).